The following is an entry in ClinVar:

ClinVar aggregate classification (germline): Likely benign. Review status: criteria provided, multiple submitters, no conflicts (2 of 4 stars). 2 submissions from 2 submitters: Likely benign (2). Last evaluated 2023-11-01.

Allele frequency attached by ClinVar (database versions not stated): gnomAD 0.00001; TOPMed 0.00001.
gnomAD v4.1: 9 of 1,613,970 alleles (0.00056%); highest among the groups gnomAD compares: Non-Finnish European, 0.00076%; no homozygotes.

Submissions (2):

CeGaT Center for Human Genetics Tuebingen
Classification: Likely benign. Last evaluated: 2023-11-01. Review status: criteria provided, single submitter. Criteria: CeGaT Center For Human Genetics Tuebingen Variant Classification Criteria Version 2. Collection method: clinical testing. Allele origin: germline. Affected: yes. Observed: 1 variant allele.
Comment: WARS1: BP4, BP7

Blueprint Genetics
Classification: Likely benign. Last evaluated: 2022-12-09. Review status: criteria provided, single submitter. Criteria: ACMG Guidelines, 2015. Collection method: clinical testing. Allele origin: germline.

NM_004184.4(WARS1):c.312T>A (p.Ile104=)

Gene: WARS1 (tryptophanyl-tRNA synthetase 1; minus strand). Cytogenetic location: 14q32.2.
Variant type: single nucleotide variant.
Coding change: c.312T>A on transcript NM_004184.4 (MANE Select); coding-DNA position 312, T replaced by A.
Protein change: p.Ile104=; no amino-acid change (isoleucine 104 retained).
Molecular consequence: synonymous variant.
Genome position (GRCh38, 1-based): chr14:100,361,709, A>T on the plus strand (T>A on the coding strand, the complement: WARS1 is on the minus strand). VCF-style: chr14-100361709-A-T. GRCh37 (hg19) VCF-style: chr14-100828046-A-T.
Other names: c.312T>A, p.Ile104= (NM_173701.2); c.189T>A, p.Ile63= (NM_213645.2, NM_213646.2).
Identifiers: ClinVar variation 2672569 (VCV002672569.24), dbSNP rs747714098, ClinGen allele CA487890737.
Genomic context (GRCh38, chr14:100,361,709, plus strand): 5'-CTCAATGGGACCACTTCTAAAAGTTGCAGCTTTTTCTGGGAAGAAAGCAGAGGACGTACC[A>T]ATGAGCTTATCGTAGTCTATGCCTTTTGCACTGCTTGTCTGTACTGTCCATGGGTCCACA-3'
Protein context (NP_004175.2, residues 94-114): SAKGIDYDKL[Ile104=]VRFGSSKIDK